The following is an entry in ClinVar:

NM_015271.5(TRIM2):c.1966G>T (p.Ala656Ser)

Gene: TRIM2 (tripartite motif containing 2; plus strand). Cytogenetic location: 4q31.3.
Variant type: single nucleotide variant.
Coding change: c.1966G>T on transcript NM_015271.5 (MANE Select); coding-DNA position 1966, G replaced by T.
Protein change: p.Ala656Ser; replaces alanine 656 with serine.
Molecular consequence: missense variant.
Genome position (GRCh38, 1-based): chr4:153,324,092, G>T. VCF-style: chr4-153324092-G-T. GRCh37 (hg19) VCF-style: chr4-154245244-G-T.
Other names: c.1885G>T, p.Ala629Ser (NM_001130067.2, NM_001375512.1, NM_001375513.1 and 4 more transcripts); c.1951G>T, p.Ala651Ser (NM_001351054.2); c.1948G>T, p.Ala650Ser (NM_001351055.2); c.1897G>T, p.Ala633Ser (NM_001351056.2); c.1510G>T, p.Ala504Ser (NM_001351057.2); c.2059G>T, p.Ala687Ser (NM_001375488.1); c.2056G>T, p.Ala686Ser (NM_001375489.1); c.1909G>T, p.Ala637Ser (NM_001375490.1); and 4 more; short protein forms A504S, A545S, A651S, A656S, A687S, A543S, A544S, A636S.
Identifiers: ClinVar variation 3690120 (VCV003690120.2).
Genomic context (GRCh38, chr4:153,324,092, plus strand): 5'-CACTTTTGTTGTAGTCATCACATATTTTTTTCCATCTTTATTGCAGGTCCCCATTTTGCA[G>T]CTGTAAATAGCAATAATGAGATTATTATTACAGATTTCCATAATCATTCTGTCAAGGTAC-3'
Protein context (NP_056086.2, residues 646-666): DRQFAGPHFA[Ala656Ser]VNSNNEIIIT

ClinVar aggregate classification (germline): Uncertain significance (1 of 4 stars; one submission).

Conditions:
Charcot-Marie-Tooth disease type 2R. Also called: CHARCOT-MARIE-TOOTH DISEASE, AXONAL, AUTOSOMAL RECESSIVE, TYPE 2R; Charcot-Marie-Tooth disease, axonal, type 2R; CHARCOT-MARIE-TOOTH NEUROPATHY, TYPE 2R. Identifiers: Orphanet 397968, MedGen C3809655, MONDO:0014208, OMIM 615490.

gnomAD v4.1: 6 of 1,612,280 alleles (0.00037%); highest among the groups gnomAD compares: Non-Finnish European, 0.00042%; no homozygotes.

Submission:

Labcorp Genetics (formerly Invitae), Labcorp
Classification: Uncertain significance for Charcot-Marie-Tooth disease type 2R. Last evaluated: 2024-02-14. Review status: criteria provided, single submitter. Criteria: Invitae Variant Classification Sherloc (09022015). Collection method: clinical testing. Allele origin: germline.
Comment: This sequence change replaces alanine, which is neutral and non-polar, with serine, which is neutral and polar, at codon 629 of the TRIM2 protein (p.Ala629Ser). This variant is not present in population databases (gnomAD no frequency). This variant has not been reported in the literature in individuals affected with TRIM2-related conditions. An algorithm developed to predict the effect of missense changes on protein structure and function (PolyPhen-2) suggests that this variant is likely to be tolerated. Algorithms developed to predict the effect of sequence changes on RNA splicing suggest that this variant may disrupt the consensus splice site. In summary, the available evidence is currently insufficient to determine the role of this variant in disease. Therefore, it has been classified as a Variant of Uncertain Significance.